The following is an entry in ClinVar:

ClinVar aggregate classification (germline): Uncertain significance (1 of 4 stars; one submission).

Conditions:
Leber congenital amaurosis 6 (LCA6). Identifiers: Orphanet 65, MedGen C1854260, MONDO:0013446, OMIM 613826.
Cone-rod dystrophy 13 (CORD13). Identifiers: Orphanet 1872, MedGen C2750720, MONDO:0011987, OMIM 608194.

Submission:

Labcorp Genetics (formerly Invitae), Labcorp
Classification: Uncertain significance for Leber congenital amaurosis 6; Cone-rod dystrophy 13. Last evaluated: 2025-03-17. Review status: criteria provided, single submitter. Criteria: Invitae Variant Classification Sherloc (09022015). Collection method: clinical testing. Allele origin: germline.
Comment: This sequence change replaces tyrosine, which is neutral and polar, with serine, which is neutral and polar, at codon 659 of the RPGRIP1 protein (p.Tyr659Ser). This variant is not present in population databases (gnomAD no frequency). This variant has not been reported in the literature in individuals affected with RPGRIP1-related conditions. ClinVar contains an entry for this variant (Variation ID: 1020461). Invitae Evidence Modeling of protein sequence and biophysical properties (such as structural, functional, and spatial information, amino acid conservation, physicochemical variation, residue mobility, and thermodynamic stability) indicates that this missense variant is expected to disrupt RPGRIP1 protein function with a positive predictive value of 80%. In summary, the available evidence is currently insufficient to determine the role of this variant in disease. Therefore, it has been classified as a Variant of Uncertain Significance.

NM_020366.4(RPGRIP1):c.1976A>C (p.Tyr659Ser)

Gene: RPGRIP1 (RPGR interacting protein 1; plus strand). Cytogenetic location: 14q11.2.
Variant type: single nucleotide variant.
Coding change: c.1976A>C on transcript NM_020366.4 (MANE Select); coding-DNA position 1976, A replaced by C.
Protein change: p.Tyr659Ser; replaces tyrosine 659 with serine.
Molecular consequence: missense variant. On other transcripts: intron variant (4).
Genome position (GRCh38, 1-based): chr14:21,324,831, A>C. VCF-style: chr14-21324831-A-C. GRCh37 (hg19) VCF-style: chr14-21792990-A-C.
Other names: c.902A>C, p.Tyr301Ser (NM_001377948.1); c.796+106A>C (NM_001377949.1); c.689-2792A>C (NM_001377523.1, NM_001377950.1); c.191-2792A>C (NM_001377951.1); short protein forms Y301S, Y659S.
Identifiers: ClinVar variation 1020461 (VCV001020461.10), dbSNP rs1278572461, ClinGen allele CA388867424.